The following is an entry in ClinVar:

NM_138792.4(LEO1):c.1897-3305G>T

Gene: LEO1 (LEO1 homolog, Paf1/RNA polymerase II complex component; minus strand). Cytogenetic location: 15q21.2.
Variant type: single nucleotide variant.
Coding change: c.1897-3305G>T on transcript NM_138792.4 (MANE Select); 3305 bases into the intron before coding-DNA position 1897, G replaced by T.
Molecular consequence: intron variant. On other transcripts: nonsense (1).
Genome position (GRCh38, 1-based): chr15:51,941,565, C>A on the plus strand (G>T on the coding strand, the complement: LEO1 is on the minus strand). VCF-style: chr15-51941565-C-A. GRCh37 (hg19) VCF-style: chr15-52233762-C-A.
Other names: c.1930G>T, p.Glu644Ter (NM_001323903.2); c.1717-3305G>T (NM_001286430.2); c.1897-3309G>T (NM_001323904.2); short protein forms E644*.
Identifiers: ClinVar variation 3049111 (VCV003049111.2), dbSNP rs76739606, ClinGen allele CA270628224.
Genomic context (GRCh38, chr15:51,941,565, plus strand): 5'-TTTGTCTAAGAAAGCTGAGGGTTGGCCTTGATACCTCTCCTTTCCACTGTCTCCATGTTT[C>A]TTTCAGCTTGGGTCTTTCCCTTTTCCCAGACTCCTGGAGAACAGAGTACCGGCACACACT-3'

ClinVar aggregate classification (germline): Likely benign (0 of 4 stars; one submission).

Conditions:
LEO1-related disorder. Also called: LEO1-related condition.

Allele frequency attached by ClinVar (database versions not stated): 1000 Genomes Project 30x 0.00625; 1000 Genomes Project 0.00699.
gnomAD v4.1: 1,077 of 152,288 alleles (0.71%); highest among the groups gnomAD compares: African/African-American, 2.5%; 15 homozygotes.

Submission:

PreventionGenetics, part of Exact Sciences
Classification: Likely benign for LEO1-related condition. Last evaluated: 2022-02-24. Review status: no assertion criteria provided. Collection method: clinical testing. Allele origin: germline.
Comment: This variant is classified as likely benign based on ACMG/AMP sequence variant interpretation guidelines (Richards et al. 2015 PMID: 25741868, with internal and published modifications).